The following is an entry in ClinVar:

NM_001039141.3(TRIOBP):c.1961G>A (p.Arg654Gln)

Gene: TRIOBP (TRIO and F-actin binding protein; plus strand). Cytogenetic location: 22q13.1.
Variant type: single nucleotide variant.
Coding change: c.1961G>A on transcript NM_001039141.3 (MANE Select); coding-DNA position 1961, G replaced by A.
Protein change: p.Arg654Gln; replaces arginine 654 with glutamine.
Molecular consequence: missense variant.
Genome position (GRCh38, 1-based): chr22:37,724,517, G>A. VCF-style: chr22-37724517-G-A. GRCh37 (hg19) VCF-style: chr22-38120524-G-A.
Other names: c.1961G>A (NM_001039141.2); short protein forms R654Q.
Identifiers: ClinVar variation 1383935 (VCV001383935.9), dbSNP rs557878346, ClinGen allele CA10223743.

ClinVar aggregate classification (germline): Uncertain significance. Review status: criteria provided, multiple submitters, no conflicts (2 of 4 stars). 2 submissions from 2 submitters: Uncertain significance (2). Last evaluated 2026-05-11.

Conditions:
TRIOBP-related disorder. Also called: TRIOBP-related condition.

Submissions (2):

PreventionGenetics, part of Exact Sciences
Classification: Uncertain significance for TRIOBP-related condition. Last evaluated: 2026-05-11. Review status: criteria provided, single submitter. Criteria: ACMG Guidelines, 2015. Collection method: clinical testing. Allele origin: germline.
Comment: The TRIOBP c.1961G>A variant is predicted to result in the amino acid substitution p.Arg654Gln. To our knowledge, this variant has not been reported in the literature. This variant is reported in 0.019% of alleles in individuals of Latino descent in gnomAD. At this time, the clinical significance of this variant is uncertain due to the absence of conclusive functional and genetic evidence.

Labcorp Genetics (formerly Invitae), Labcorp
Classification: Uncertain significance. Last evaluated: 2022-06-20. Review status: criteria provided, single submitter. Criteria: Invitae Variant Classification Sherloc (09022015). Collection method: clinical testing. Allele origin: germline.
Comment: This variant has not been reported in the literature in individuals affected with TRIOBP-related conditions. In summary, the available evidence is currently insufficient to determine the role of this variant in disease. Therefore, it has been classified as a Variant of Uncertain Significance. Algorithms developed to predict the effect of missense changes on protein structure and function output the following: SIFT: "Tolerated"; PolyPhen-2: "Benign"; Align-GVGD: "Class C0". The glutamine amino acid residue is found in multiple mammalian species, which suggests that this missense change does not adversely affect protein function. The frequency data for this variant in the population databases is considered unreliable, as metrics indicate poor data quality at this position in the gnomAD database. This sequence change replaces arginine, which is basic and polar, with glutamine, which is neutral and polar, at codon 654 of the TRIOBP protein (p.Arg654Gln).